The following is an entry in ClinVar:

ClinVar aggregate classification (germline): Uncertain significance (1 of 4 stars; one submission).

Submission:

CeGaT Center for Human Genetics Tuebingen
Classification: Uncertain significance. Last evaluated: 2023-01-01. Review status: criteria provided, single submitter. Criteria: CeGaT Center For Human Genetics Tuebingen Variant Classification Criteria Version 2. Collection method: clinical testing. Allele origin: germline. Affected: yes. Observed: 1 variant allele.
Comment: SPTBN4: PM2

NM_020971.3(SPTBN4):c.3947_3948+1dup

Gene: SPTBN4 (spectrin beta, non-erythrocytic 4; plus strand). Cytogenetic location: 19q13.2.
Variant type: Duplication.
Coding change: c.3947_3948+1dup on transcript NM_020971.3 (MANE Select); coding-DNA position 3947 through the canonical splice donor site of the intron after coding-DNA position 3948, 3 bases duplicated (AGG; older notation c.3947_3948+1dupAGG).
Molecular consequence: splice donor variant.
Genome position (GRCh38, 1-based): chr19:40,529,130-40,529,132, AGG duplicated; duplicating any 3 consecutive bases within chr19:40,529,129-40,529,132 gives the same sequence; the c. name uses the placement nearest the transcript's 3' end. VCF-style (leftmost placement, unchanged base first): chr19-40529128-C-CGAG. GRCh37 (hg19) VCF-style: chr19-41035035-C-CGAG.
Identifiers: ClinVar variation 2649896 (VCV002649896.24), dbSNP rs776049905, ClinGen allele CA9446137.